The following is an entry in ClinVar:

NM_032228.6(FAR1):c.945G>A (p.Trp315Ter)

Gene: FAR1 (fatty acyl-CoA reductase 1; plus strand). Cytogenetic location: 11p15.3.
Variant type: single nucleotide variant.
Coding change: c.945G>A on transcript NM_032228.6 (MANE Select); coding-DNA position 945, G replaced by A.
Protein change: p.Trp315Ter; replaces tryptophan 315 with a stop codon.
Molecular consequence: nonsense.
Genome position (GRCh38, 1-based): chr11:13,713,023, G>A. VCF-style: chr11-13713023-G-A. GRCh37 (hg19) VCF-style: chr11-13734570-G-A.
Other names: short protein forms W315*.
Identifiers: ClinVar variation 1510175 (VCV001510175.6), dbSNP rs2134193085, ClinGen allele CA379858074.

ClinVar aggregate classification (germline): Pathogenic (1 of 4 stars; one submission).

Submission:

Labcorp Genetics (formerly Invitae), Labcorp
Classification: Pathogenic. Last evaluated: 2023-07-21. Review status: criteria provided, single submitter. Criteria: Invitae Variant Classification Sherloc (09022015). Collection method: clinical testing. Allele origin: germline.
Comment: For these reasons, this variant has been classified as Pathogenic. Algorithms developed to predict the effect of sequence changes on RNA splicing suggest that this variant may disrupt the consensus splice site. ClinVar contains an entry for this variant (Variation ID: 1510175). This variant has not been reported in the literature in individuals affected with FAR1-related conditions. This variant is not present in population databases (gnomAD no frequency). This sequence change creates a premature translational stop signal (p.Trp315*) in the FAR1 gene. It is expected to result in an absent or disrupted protein product. Loss-of-function variants in FAR1 are known to be pathogenic (PMID: 25439727, 33586168).

Literature cited by the submitters: PubMed 25439727; PubMed 33586168.